The following is an entry in ClinVar:

NM_178857.6(RP1L1):c.4275C>A (p.Asp1425Glu)

Gene: RP1L1 (RP1 like 1). Cytogenetic location: 8p23.1.
Variant type: single nucleotide variant.
Coding change: c.4275C>A on transcript NM_178857.6 (MANE Select); coding-DNA position 4275, C replaced by A.
Protein change: p.Asp1425Glu; replaces aspartic acid 1425 with glutamic acid.
Molecular consequence: missense variant.
Genome position (GRCh38, 1-based): chr8:10,609,823, G>T on the plus strand (C>A on the coding strand, the complement: RP1L1 is on the minus strand). VCF-style: chr8-10609823-G-T. GRCh37 (hg19) VCF-style: chr8-10467333-G-T.
Other names: short protein forms D1425E.
Identifiers: ClinVar variation 361284 (VCV000361284.8), dbSNP rs182279724, ClinGen allele CA4624083.
Genomic context (GRCh38, chr8:10,609,823, plus strand): 5'-CTCTGCGGGGCACGGCTCTGCAGAGGCAGAGGCTCTTCCTGCTTCCTCCTCCTGGACTGG[G>T]TCATCTTCCTGGGAGCCTTTCCCATCCGGAGAGCTGGCCTCTGACAATTCCTGCCCGTGG-3'
Protein context (NP_849188.4, residues 1415-1435): SPDGKGSQED[Asp1425Glu]PVQEEEAGRA

ClinVar aggregate classification (germline): Benign/Likely benign. Review status: criteria provided, multiple submitters, no conflicts (2 of 4 stars). 3 submissions from 3 submitters: Benign (1); Likely benign (1). 1 of the submissions does not count toward it. Last evaluated 2024-09-30.

Conditions:
RP1L1-related disorder. Also called: RP1L1-related condition.
Occult macular dystrophy (OCMD). Also called: OMD; OCCULT MACULAR DYSTROPHY, SUSCEPTIBILITY TO. Identifiers: Orphanet 247834, MedGen C3150833, MONDO:0013316, OMIM 613587, HP:0030636.

Allele frequency attached by ClinVar (database versions not stated): 1000 Genomes Project 30x 0.00016; gnomAD 0.00016; 1000 Genomes Project 0.00020; TOPMed 0.00021.
gnomAD v4.1: 282 of 1,614,134 alleles (0.017%); highest among the groups gnomAD compares: Middle Eastern, 0.15%; no homozygotes.

Submissions (3):

Blueprint Genetics
Classification: Likely benign. Last evaluated: 2024-09-30. Review status: criteria provided, single submitter. Criteria: ACMG Guidelines, 2015. Collection method: clinical testing. Allele origin: germline.

Illumina Laboratory Services, Illumina
Classification: Benign for Occult macular dystrophy. Last evaluated: 2018-01-12. Review status: criteria provided, single submitter. Criteria: ICSL Variant Classification Criteria 13 December 2019. Collection method: clinical testing. Allele origin: germline.
Comment: This variant was observed in the ICSL laboratory as part of a predisposition screen in an ostensibly healthy population. It had not been previously curated by ICSL or reported in the Human Gene Mutation Database (HGMD: prior to June 1st, 2018), and was therefore a candidate for classification through an automated scoring system. Utilizing variant allele frequency, disease prevalence and penetrance estimates, and inheritance mode, an automated score was calculated to assess if this variant is too frequent to cause the disease. Based on the score and internal cut-off values, a variant classified as benign is not then subjected to further curation. The score for this variant resulted in a classification of benign for this disease.

PreventionGenetics, part of Exact Sciences
Classification: Likely benign for RP1L1-related condition. Last evaluated: 2020-12-21. Review status: no assertion criteria provided. Collection method: clinical testing. Allele origin: germline. Not counted in ClinVar's aggregate classification.
Comment: This variant is classified as likely benign based on ACMG/AMP sequence variant interpretation guidelines (Richards et al. 2015 PMID: 25741868, with internal and published modifications).